The following is an entry in ClinVar:

NM_000059.4(BRCA2):c.1865C>T (p.Ala622Val)

Gene: BRCA2 (BRCA2 DNA repair associated; plus strand). Cytogenetic location: 13q13.1.
Variant type: single nucleotide variant.
Coding change: c.1865C>T on transcript NM_000059.4 (MANE Select); coding-DNA position 1865, C replaced by T.
Protein change: p.Ala622Val; replaces alanine 622 with valine.
Molecular consequence: missense variant.
Genome position (GRCh38, 1-based): chr13:32,333,343, C>T. VCF-style: chr13-32333343-C-T. GRCh37 (hg19) VCF-style: chr13-32907480-C-T.
Other names: 2093C>T; short protein forms A622V.
Identifiers: ClinVar variation 37767 (VCV000037767.24), dbSNP rs80358477, ClinGen allele CA013657.

ClinVar aggregate classification (germline): Benign. Review status: reviewed by expert panel (3 of 4 stars). 10 submissions from 10 submitters: Benign (1). 9 of the submissions do not count toward it. Last evaluated 2019-06-18.

Conditions:
Hereditary cancer-predisposing syndrome. Also called: Tumor predisposition; Neoplastic Syndromes, Hereditary; Hereditary neoplastic syndrome; Hereditary Cancer Syndrome. Identifiers: Orphanet 140162, MedGen C0027672, MeSH D009386, MONDO:0015356.
Hereditary breast ovarian cancer syndrome. Also called: Hereditary breast and ovarian cancer; Hereditary breast and ovarian cancer syndrome (HBOC); Hereditary breast and/or ovarian cancer syndrome; Breast and ovarian cancer; Hereditary breast and ovarian cancer syndrome; BRCA1- and BRCA2-Associated Hereditary Breast and Ovarian Cancer. Identifiers: Orphanet 145, MedGen C0677776, MeSH D061325, MONDO:0003582. Disease mechanism: loss of function.
Pancreatic cancer, susceptibility to, 2. Identifiers: Orphanet 1333, MedGen C3150546, MONDO:0013235, OMIM 613347.
Breast-ovarian cancer, familial, susceptibility to, 2 (BROVCA2). Also called: BRCA2 Hereditary Breast and Ovarian Cancer. Identifiers: Orphanet 145, MedGen C2675520, MONDO:0012933, OMIM 612555. Disease mechanism: loss of function.

Allele frequency attached by ClinVar (database versions not stated): gnomAD 0.00001; gnomAD exomes 0.00001; TOPMed 0.00001; ExAC 0.00002.
gnomAD v4.1: 4 of 1,607,422 alleles (0.00025%); highest among the groups gnomAD compares: Non-Finnish European, 0.00034%; no homozygotes.

Submissions (10):

Evidence-based Network for the Interpretation of Germline Mutant Alleles (ENIGMA)
Classification: Benign for Breast-ovarian cancer, familial, susceptibility to, 2. Last evaluated: 2019-06-18. Review status: reviewed by expert panel. Criteria: ENIGMA BRCA1/2 Classification Criteria (2017-06-29). Collection method: curation. Allele origin: germline.
Comment: IARC class based on posterior probability from multifactorial likelihood analysis, thresholds for class as per Plon et al. 2008 (PMID: 18951446). Class 1 based on posterior probability = 0.000433

Labcorp Genetics (formerly Invitae), Labcorp
Classification: Likely benign for Hereditary breast ovarian cancer syndrome. Last evaluated: 2025-12-14. Review status: criteria provided, single submitter. Criteria: Invitae Variant Classification Sherloc (09022015). Collection method: clinical testing. Allele origin: germline. Not counted in ClinVar's aggregate classification.

All of Us Research Program, National Institutes of Health
Classification: Likely benign for Breast-ovarian cancer, familial, susceptibility to, 2. Last evaluated: 2023-05-04. Review status: criteria provided, single submitter. Criteria: ACMG Guidelines, 2015. Collection method: clinical testing. Allele origin: germline. Inheritance: Autosomal dominant inheritance. Observed: 2 variant alleles, 2 heterozygotes. Not counted in ClinVar's aggregate classification.
Comment: This study involves interpretation of variants in research participants for the purpose of population health screening. Participant phenotype was not available at the time of variant classification. Additional details can be found in publication PMID: 35346344, PMCID: PMC8962531

Department of Pathology and Laboratory Medicine, Sinai Health System
Classification: Likely benign for Pancreatic cancer, susceptibility to, 2. Last evaluated: 2021-11-02. Review status: criteria provided, single submitter. Criteria: ACMG Guidelines, 2015. Collection method: clinical testing. Allele origin: germline. Affected: yes. Not counted in ClinVar's aggregate classification.

GeneDx
Classification: Likely benign. Last evaluated: 2017-10-20. Review status: criteria provided, single submitter. Criteria: GeneDx Variant Classification (06012015). Collection method: clinical testing. Allele origin: germline. Affected: yes. Not counted in ClinVar's aggregate classification.
Comment: This variant is considered likely benign or benign based on one or more of the following criteria: it is a conservative change, it occurs at a poorly conserved position in the protein, it is predicted to be benign by multiple in silico algorithms, and/or has population frequency not consistent with disease.

Ambry Genetics
Classification: Likely benign for Hereditary cancer-predisposing syndrome. Last evaluated: 2017-03-10. Review status: criteria provided, single submitter. Criteria: Ambry Variant Classification Scheme 2023. Collection method: clinical testing. Allele origin: germline. Not counted in ClinVar's aggregate classification.

Quest Diagnostics Nichols Institute San Juan Capistrano
Classification: Uncertain significance. Last evaluated: 2017-03-03. Review status: criteria provided, single submitter. Criteria: Quest Diagnostics criteria. Collection method: clinical testing. Allele origin: germline. Not counted in ClinVar's aggregate classification.

Color Diagnostics, LLC DBA Color Health
Classification: Likely benign for Hereditary cancer-predisposing syndrome. Last evaluated: 2016-11-21. Review status: criteria provided, single submitter. Criteria: ACMG Guidelines, 2015. Collection method: clinical testing. Allele origin: germline. Not counted in ClinVar's aggregate classification.

Sharing Clinical Reports Project (SCRP)
Classification: Likely benign for Breast-ovarian cancer, familial 2. Last evaluated: 2009-06-19. Review status: no assertion criteria provided. Collection method: clinical testing. Allele origin: germline. Not counted in ClinVar's aggregate classification.

Breast Cancer Information Core (BIC) (BRCA2)
Classification: Uncertain significance for Breast-ovarian cancer, familial 2. Last evaluated: 2001-10-29. Review status: no assertion criteria provided. Collection method: clinical testing. Allele origin: germline. Affected: yes. Observed: 1 variant allele. Not counted in ClinVar's aggregate classification.

Literature cited by the submitters: PubMed 31131967 (cited by Evidence-based Network for the Interpretation of Germline Mutant Alleles (ENIGMA)); PubMed 21990134 (cited by Department of Pathology and Laboratory Medicine, Sinai Health System); PubMed 20104584 (cited by Department of Pathology and Laboratory Medicine, Sinai Health System); PubMed 17924331 (cited by Department of Pathology and Laboratory Medicine, Sinai Health System).